The following is an entry in ClinVar:

NM_144999.4(LRRC45):c.1365G>A (p.Val455=)

Gene: LRRC45 (leucine rich repeat containing 45; plus strand). Cytogenetic location: 17q25.3.
Variant type: single nucleotide variant.
Coding change: c.1365G>A on transcript NM_144999.4 (MANE Select); coding-DNA position 1365, G replaced by A.
Protein change: p.Val455=; no amino-acid change (valine 455 retained).
Molecular consequence: synonymous variant.
Genome position (GRCh38, 1-based): chr17:82,029,149, G>A. VCF-style: chr17-82029149-G-A. GRCh37 (hg19) VCF-style: chr17-79987025-G-A.
Identifiers: ClinVar variation 4979527 (VCV004979527.1).

ClinVar aggregate classification (germline): Likely benign (1 of 4 stars; one submission).

Conditions:
LRRC45-related disorder. Also called: LRRC45-related condition.

gnomAD v4.1: 45 of 1,612,346 alleles (0.0028%); highest among the groups gnomAD compares: Middle Eastern, 0.083%; no homozygotes.

Submission:

PreventionGenetics, part of Exact Sciences
Classification: Likely benign for LRRC45-related condition. Last evaluated: 2024-12-29. Review status: criteria provided, single submitter. Criteria: ACMG Guidelines, 2015. Collection method: clinical testing. Allele origin: germline.
Comment: This variant is classified as likely benign based on ACMG/AMP sequence variant interpretation guidelines (Richards et al. 2015 PMID: 25741868, with internal and published modifications).